The following is an entry in ClinVar:

NM_001375808.2(LPIN2):c.56A>G (p.Tyr19Cys)

Gene: LPIN2 (lipin 2; minus strand). Cytogenetic location: 18p11.31.
Variant type: single nucleotide variant.
Coding change: c.56A>G on transcript NM_001375808.2 (MANE Select); coding-DNA position 56, A replaced by G.
Protein change: p.Tyr19Cys; replaces tyrosine 19 with cysteine.
Molecular consequence: missense variant.
Genome position (GRCh38, 1-based): chr18:2,960,785, T>C on the plus strand (A>G on the coding strand, the complement: LPIN2 is on the minus strand). VCF-style: chr18-2960785-T-C. GRCh37 (hg19) VCF-style: chr18-2960783-T-C.
Other names: p.Tyr19Cys; c.56A>G, p.Tyr19Cys (NM_001375809.1, NM_014646.2); short protein forms Y19C.
Identifiers: ClinVar variation 234326 (VCV000234326.15), dbSNP rs371299772, ClinGen allele CA8873649.

ClinVar aggregate classification (germline): Uncertain significance. Review status: criteria provided, multiple submitters, no conflicts (2 of 4 stars). 5 submissions from 5 submitters: Uncertain significance (5). Last evaluated 2025-01-08.

Conditions:
Majeed syndrome (MJDS). Also called: LPIN2-Related Majeed Syndrome; CHRONIC RECURRENT MULTIFOCAL OSTEOMYELITIS 1, WITH CONGENITAL DYSERYTHROPOIETIC ANEMIA, WITH OR WITHOUT NEUTROPHILIC DERMATOSIS. Identifiers: Orphanet 77297, MedGen C1864997, MONDO:0012316, OMIM 609628.

Allele frequency attached by ClinVar (database versions not stated): ExAC 0.00003; gnomAD 0.00004 and 0.00005; gnomAD exomes 0.00004 and 0.00006; TOPMed 0.00004; ESP Exome Variant Server 0.00008.
gnomAD v4.1: 99 of 1,614,032 alleles (0.0061%); highest among the groups gnomAD compares: Non-Finnish European, 0.0077%; no homozygotes.

Submissions (5):

Revvity Omics, Revvity
Classification: Uncertain significance for Majeed syndrome. Last evaluated: 2025-01-08. Review status: criteria provided, single submitter. Criteria: ACMG Guidelines, 2015. Collection method: clinical testing. Allele origin: germline.

Mayo Clinic Laboratories, Mayo Clinic
Classification: Uncertain significance. Last evaluated: 2023-09-11. Review status: criteria provided, single submitter. Criteria: ACMG Guidelines, 2015. Collection method: clinical testing. Allele origin: germline. Observed: 1 variant allele.
Comment: PP3

Labcorp Genetics (formerly Invitae), Labcorp
Classification: Uncertain significance for Majeed syndrome. Last evaluated: 2022-02-11. Review status: criteria provided, single submitter. Criteria: Invitae Variant Classification Sherloc (09022015). Collection method: clinical testing. Allele origin: germline.
Comment: This sequence change replaces tyrosine, which is neutral and polar, with cysteine, which is neutral and slightly polar, at codon 19 of the LPIN2 protein (p.Tyr19Cys). This variant is present in population databases (rs371299772, gnomAD 0.009%). This variant has not been reported in the literature in individuals affected with LPIN2-related conditions. ClinVar contains an entry for this variant (Variation ID: 234326). Algorithms developed to predict the effect of missense changes on protein structure and function (SIFT, PolyPhen-2, Align-GVGD) all suggest that this variant is likely to be disruptive. In summary, the available evidence is currently insufficient to determine the role of this variant in disease. Therefore, it has been classified as a Variant of Uncertain Significance.

GeneDx
Classification: Uncertain significance. Last evaluated: 2021-10-01. Review status: criteria provided, single submitter. Criteria: GeneDx Variant Classification Process June 2021. Collection method: clinical testing. Allele origin: germline. Affected: yes.
Comment: In silico analysis supports that this missense variant has a deleterious effect on protein structure/function; Has not been previously published as pathogenic or benign to our knowledge

Illumina Laboratory Services, Illumina
Classification: Uncertain significance for Majeed syndrome. Last evaluated: 2018-01-13. Review status: criteria provided, single submitter. Criteria: ICSL Variant Classification Criteria 13 December 2019. Collection method: clinical testing. Allele origin: germline.